The following is an entry in ClinVar:

ClinVar aggregate classification (germline): Likely benign. Review status: criteria provided, multiple submitters, no conflicts (2 of 4 stars). 3 submissions from 3 submitters: Likely benign (2). 1 of the submissions does not count toward it. Last evaluated 2026-01-26.

Conditions:
ROGDI-related disorder. Also called: ROGDI-related condition.
Amelocerebrohypohidrotic syndrome (KTZS). Also called: Kohlschutter's syndrome; EPILEPSY AND YELLOW TEETH; EPILEPSY, DEMENTIA, AND AMELOGENESIS IMPERFECTA; KOHLSCHUTTER SYNDROME. Identifiers: Orphanet 1946, MedGen C0406740, MONDO:0009185, OMIM 226750.

Allele frequency attached by ClinVar (database versions not stated): gnomAD 0.00087 and 0.00092; TOPMed 0.00087; 1000 Genomes Project 0.00140; 1000 Genomes Project 30x 0.00187; ExAC 0.00028; ESP Exome Variant Server 0.00031.
gnomAD v4.1: 241 of 1,567,536 alleles (0.015%); highest among the groups gnomAD compares: African/African-American, 0.27%; 1 homozygote.

Submissions (3):

Labcorp Genetics (formerly Invitae), Labcorp
Classification: Likely benign for Amelocerebrohypohidrotic syndrome. Last evaluated: 2026-01-26. Review status: criteria provided, single submitter. Criteria: Invitae Variant Classification Sherloc (09022015). Collection method: clinical testing. Allele origin: germline.

Blueprint Genetics
Classification: Likely benign. Last evaluated: 2024-09-13. Review status: criteria provided, single submitter. Criteria: ACMG Guidelines, 2015. Collection method: clinical testing. Allele origin: germline.

PreventionGenetics, part of Exact Sciences
Classification: Likely benign for ROGDI-related condition. Last evaluated: 2022-08-01. Review status: no assertion criteria provided. Collection method: clinical testing. Allele origin: germline. Not counted in ClinVar's aggregate classification.
Comment: This variant is classified as likely benign based on ACMG/AMP sequence variant interpretation guidelines (Richards et al. 2015 PMID: 25741868, with internal and published modifications).

NM_024589.3(ROGDI):c.117+9C>G

Gene: ROGDI (rogdi atypical leucine zipper; minus strand). Cytogenetic location: 16p13.3.
Variant type: single nucleotide variant.
Coding change: c.117+9C>G on transcript NM_024589.3 (MANE Select); 9 bases into the intron after coding-DNA position 117, C replaced by G.
Molecular consequence: intron variant.
Genome position (GRCh38, 1-based): chr16:4,802,373, G>C on the plus strand (C>G on the coding strand, the complement: ROGDI is on the minus strand). VCF-style: chr16-4802373-G-C. GRCh37 (hg19) VCF-style: chr16-4852374-G-C.
Identifiers: ClinVar variation 461606 (VCV000461606.16), dbSNP rs374732191, ClinGen allele CA7883023.
Genomic context (GRCh38, chr16:4,802,373, plus strand): 5'-CCCAGGTGGAGCCAGGGAAATGAGGAGGGAGGGCCGCCACGCCCGGCGGGGCAGGGCGCG[G>C]GTCGTTACCTTGAGGATGTCCTGCAGCTGCTTCAACACAGCGTGCACCTCGTCGTGCAGC-3'